The following is an entry in ClinVar:

NM_001844.5(COL2A1):c.2141G>A (p.Gly714Asp)

Gene: COL2A1 (collagen type II alpha 1 chain; minus strand). Cytogenetic location: 12q13.11.
Variant type: single nucleotide variant.
Coding change: c.2141G>A on transcript NM_001844.5 (MANE Select); coding-DNA position 2141, G replaced by A.
Protein change: p.Gly714Asp; replaces glycine 714 with aspartic acid.
Molecular consequence: missense variant.
Genome position (GRCh38, 1-based): chr12:47,982,900, C>T on the plus strand (G>A on the coding strand, the complement: COL2A1 is on the minus strand). VCF-style: chr12-47982900-C-T. GRCh37 (hg19) VCF-style: chr12-48376683-C-T.
Other names: c.1934G>A, p.Gly645Asp (NM_033150.3); short protein forms G714D, G645D.
Identifiers: ClinVar variation 439510 (VCV000439510.11), dbSNP rs1555166537, ClinGen allele CA384547035.

ClinVar aggregate classification (germline): Conflicting classifications of pathogenicity. Review status: criteria provided, conflicting classifications (1 of 4 stars). 3 submissions from 3 submitters: Likely pathogenic (2); Uncertain significance (1). Last evaluated 2025-03-20.

Conditions:
Stickler syndrome type 1 (STL1). Also called: COL2A1-Related Stickler Syndrome; ARTHROOPHTHALMOPATHY, HEREDITARY PROGRESSIVE; STICKLER SYNDROME, MEMBRANOUS VITREOUS TYPE; STICKLER SYNDROME, VITREOUS TYPE 1. Identifiers: Orphanet 828, Orphanet 90653, MedGen C2020284, MONDO:0007160, OMIM 108300.

Submissions (3):

Labcorp Genetics (formerly Invitae), Labcorp
Classification: Likely pathogenic. Last evaluated: 2025-03-20. Review status: criteria provided, single submitter. Criteria: Invitae Variant Classification Sherloc (09022015). Collection method: clinical testing. Allele origin: germline.
Comment: This sequence change replaces glycine, which is neutral and non-polar, with aspartic acid, which is acidic and polar, at codon 714 of the COL2A1 protein (p.Gly714Asp). This variant is not present in population databases (gnomAD no frequency). This variant has not been reported in the literature in individuals affected with COL2A1-related conditions. ClinVar contains an entry for this variant (Variation ID: 439510). Invitae Evidence Modeling of protein sequence and biophysical properties (such as structural, functional, and spatial information, amino acid conservation, physicochemical variation, residue mobility, and thermodynamic stability) indicates that this missense variant is expected to disrupt COL2A1 protein function with a positive predictive value of 95%. This variant disrupts the triple helix domain of COL2A1. Glycine residues within the Gly-Xaa-Yaa repeats of the triple helix domain are required for the structure and stability of fibrillar collagens (PMID: 7695699, 8218237, 19344236). In COL2A1, variants affecting these glycine residues are significantly enriched in individuals with disease (PMID: 9016532, 17078022) compared to the general population (ExAC). In summary, the currently available evidence indicates that the variant is pathogenic, but additional data are needed to prove that conclusively. Therefore, this variant has been classified as Likely Pathogenic.

Genomic Medicine Center of Excellence, King Faisal Specialist Hospital and Research Centre
Classification: Uncertain significance for Stickler syndrome type 1. Last evaluated: 2024-03-25. Review status: criteria provided, single submitter. Criteria: ACMG Guidelines, 2015. Collection method: research. Allele origin: germline.

ARUP Laboratories, Molecular Genetics and Genomics, ARUP Laboratories
Classification: Likely pathogenic. Last evaluated: 2017-02-06. Review status: criteria provided, single submitter. Criteria: ARUP Molecular Germline Variant Investigation Process. Collection method: clinical testing. Allele origin: germline.

Literature cited by the submitters: PubMed 7695699 (cited by Labcorp Genetics (formerly Invitae), Labcorp); PubMed 8218237 (cited by Labcorp Genetics (formerly Invitae), Labcorp); PubMed 19344236 (cited by Labcorp Genetics (formerly Invitae), Labcorp); PubMed 9016532 (cited by Labcorp Genetics (formerly Invitae), Labcorp); PubMed 17078022 (cited by Labcorp Genetics (formerly Invitae), Labcorp).